The following is an entry in ClinVar:

ClinVar aggregate classification (germline): Likely pathogenic (1 of 4 stars; one submission).

Conditions:
Epilepsy, familial temporal lobe, 1. Identifiers: Orphanet 101046, MedGen CN030884, MONDO:0700090, OMIM 600512.

Submission:

Institute of Human Genetics, University of Goettingen
Classification: Likely pathogenic for Epilepsy, familial temporal lobe, 1. Last evaluated: 2025-01-14. Review status: criteria provided, single submitter. Criteria: ACMG Guidelines, 2015. Collection method: clinical testing. Allele origin: unknown. Inheritance: Autosomal dominant inheritance. Affected: yes. Observed: 1 heterozygote.
Comment: The variant c.856T>G (p.(Cys286Gly)) in exon 8 of the LGI1-gene is not found in the gnomAD database, it affects a highly conserved nucleotide, and a moderately conserved amino acid and there is a large physicochemical difference between Cys and Gly. Also, p.Cys286Gly is a missense variant at an amino acid residue where another missense change determined to be pathogenic has been already described (p.Cys286Arg, HGMD: CM152120). This variant has a pathogenic computational verdict based on in silico prediction programs. Missense variants in LGI1 are a known mechanism of disease. Thus, we consider this LGI1-variant a likely pathogenic variant. ACMG criteria used for classification: PM2_sup, PM5, PP2, PP3.

NM_005097.4(LGI1):c.856T>G (p.Cys286Gly)

Gene: LGI1 (leucine rich glioma inactivated 1; plus strand). Cytogenetic location: 10q23.33.
Variant type: single nucleotide variant.
Coding change: c.856T>G on transcript NM_005097.4 (MANE Select); coding-DNA position 856, T replaced by G.
Protein change: p.Cys286Gly; replaces cysteine 286 with glycine.
Molecular consequence: missense variant. On other transcripts: non-coding transcript variant (1), intron variant (1).
Genome position (GRCh38, 1-based): chr10:93,796,985, T>G. VCF-style: chr10-93796985-T-G. GRCh37 (hg19) VCF-style: chr10-95556742-T-G.
Other names: c.712T>G, p.Cys238Gly (NM_001308276.2); c.839-764T>G (NM_001308275.2); short protein forms C238G, C286G.
Identifiers: ClinVar variation 3901090 (VCV003901090.1).
Genomic context (GRCh38, chr10:93,796,985, plus strand): 5'-AGAGGATGGCCACACAACTAATCTCTCCTTTGTCTTTTCCCAGGCACATCCACTGTAGTA[T>G]GCAAGCCTATAGTCATTGAAACTCAGCTCTATGTTATTGTGGCCCAGCTGTTTGGTGGCT-3'
Protein context (NP_005088.1, residues 276-296): DNITGTSTVV[Cys286Gly]KPIVIETQLY